The following is an entry in ClinVar:

ClinVar aggregate classification (germline): Uncertain significance (1 of 4 stars; one submission).

Conditions:
Cohen syndrome (COH1). Also called: Cutis verticis gyrata, retinitis pigmentosa, and sensorineural deafness; PEPPER SYNDROME. Identifiers: Orphanet 193, MedGen C0265223, MONDO:0008999, OMIM 216550.

Allele frequency attached by ClinVar (database versions not stated): gnomAD exomes below 0.00001 and 0.00001.
gnomAD v4.1: 14 of 1,613,600 alleles (0.00087%); highest among the groups gnomAD compares: Non-Finnish European, 0.0012%; no homozygotes.

Submission:

Labcorp Genetics (formerly Invitae), Labcorp
Classification: Uncertain significance for Cohen syndrome. Last evaluated: 2024-07-12. Review status: criteria provided, single submitter. Criteria: Invitae Variant Classification Sherloc (09022015). Collection method: clinical testing. Allele origin: germline.
Comment: This sequence change replaces isoleucine, which is neutral and non-polar, with leucine, which is neutral and non-polar, at codon 3112 of the VPS13B protein (p.Ile3112Leu). This variant is present in population databases (rs768346495, gnomAD 0.0009%). This variant has not been reported in the literature in individuals affected with VPS13B-related conditions. ClinVar contains an entry for this variant (Variation ID: 960682). Advanced modeling of protein sequence and biophysical properties (such as structural, functional, and spatial information, amino acid conservation, physicochemical variation, residue mobility, and thermodynamic stability) performed at Invitae indicates that this missense variant is not expected to disrupt VPS13B protein function with a negative predictive value of 80%. In summary, the available evidence is currently insufficient to determine the role of this variant in disease. Therefore, it has been classified as a Variant of Uncertain Significance.

NM_152564.5(VPS13B):c.9259A>C (p.Ile3087Leu)

Gene: VPS13B (vacuolar protein sorting 13 homolog B; plus strand). Cytogenetic location: 8q22.2.
Variant type: single nucleotide variant.
Coding change: c.9259A>C on transcript NM_152564.5 (MANE Select); coding-DNA position 9259, A replaced by C.
Protein change: p.Ile3087Leu; replaces isoleucine 3087 with leucine.
Molecular consequence: missense variant.
Genome position (GRCh38, 1-based): chr8:99,823,907, A>C. VCF-style: chr8-99823907-A-C. GRCh37 (hg19) VCF-style: chr8-100836135-A-C.
Other names: c.9334A>C, p.Ile3112Leu (NM_017890.5); short protein forms I3087L, I3112L.
Identifiers: ClinVar variation 960682 (VCV000960682.9), dbSNP rs768346495, ClinGen allele CA182331508.